The following is an entry in ClinVar:

ClinVar aggregate classification (germline): Benign/Likely benign. Review status: criteria provided, multiple submitters, no conflicts (2 of 4 stars). 3 submissions from 3 submitters: Benign (1); Likely benign (2). Last evaluated 2025-06-04.

Conditions:
Tuberous sclerosis 2 (TSC2). Identifiers: Orphanet 805, MedGen C1860707, MONDO:0013199, OMIM 613254.
Hereditary cancer-predisposing syndrome. Also called: Tumor predisposition; Neoplastic Syndromes, Hereditary; Hereditary Cancer Syndrome; Hereditary neoplastic syndrome. Identifiers: Orphanet 140162, MedGen C0027672, MeSH D009386, MONDO:0015356.

Submissions (3):

Myriad Genetics, Inc.
Classification: Benign for Tuberous sclerosis 2. Last evaluated: 2025-06-04. Review status: criteria provided, single submitter. Criteria: Myriad Autosomal Dominant, Autosomal Recessive and X-Linked Classification Criteria (2023). Collection method: clinical testing. Allele origin: unknown.
Comment: This variant is considered benign. This variant is a silent/synonymous amino acid change and it is not expected to impact splicing.

Labcorp Genetics (formerly Invitae), Labcorp
Classification: Likely benign for Tuberous sclerosis 2. Last evaluated: 2023-12-06. Review status: criteria provided, single submitter. Criteria: Invitae Variant Classification Sherloc (09022015). Collection method: clinical testing. Allele origin: germline.

Ambry Genetics
Classification: Likely benign for Hereditary cancer-predisposing syndrome. Last evaluated: 2023-08-02. Review status: criteria provided, single submitter. Criteria: Ambry Variant Classification Scheme 2023. Collection method: clinical testing. Allele origin: germline.

NM_000548.5(TSC2):c.4668C>T (p.Asn1556=)

Gene: TSC2 (TSC complex subunit 2; plus strand). Cytogenetic location: 16p13.3.
Variant type: single nucleotide variant.
Coding change: c.4668C>T on transcript NM_000548.5 (MANE Select); coding-DNA position 4668, C replaced by T.
Protein change: p.Asn1556=; no amino-acid change (asparagine 1556 retained).
Molecular consequence: synonymous variant. On other transcripts: non-coding transcript variant (5).
Genome position (GRCh38, 1-based): chr16:2,086,198, C>T. VCF-style: chr16-2086198-C-T. GRCh37 (hg19) VCF-style: chr16-2136199-C-T.
Other names: c.4467C>T, p.Asn1489= (NM_001077183.3); c.4599C>T, p.Asn1533= (NM_001114382.3); c.4359C>T, p.Asn1453= (NM_001318827.2); c.4323C>T, p.Asn1441= (NM_001318829.2); c.3936C>T, p.Asn1312= (NM_001318831.2); c.4500C>T, p.Asn1500= (NM_001318832.2); c.4470C>T, p.Asn1490= (NM_001363528.2); c.4536C>T, p.Asn1512= (NM_001370404.1); and 26 more.
Identifiers: ClinVar variation 2626424 (VCV002626424.6), dbSNP rs2151569345, ClinGen allele CA493043507.
Genomic context (GRCh38, chr16:2,086,198, plus strand): 5'-GGGGCAGGGCCCGGCCCGGGAGTGATGCCACCCTGCCTCTCCCCTCTCCCCACAGAGCAA[C>T]AGCGAGCTCGCCATCCTGTCCAATGAGCATGGCTCCTACAGGTACACGGAGTTCCTGACG-3'
Protein context (NP_000539.2, residues 1546-1566): AVLYVGEGQS[Asn1556=]SELAILSNEH